The following is an entry in ClinVar:

NM_000179.3(MSH6):c.3811G>A (p.Val1271Ile)

Gene: MSH6 (mutS homolog 6; plus strand). Cytogenetic location: 2p16.3.
Variant type: single nucleotide variant.
Coding change: c.3811G>A on transcript NM_000179.3 (MANE Select); coding-DNA position 3811, G replaced by A.
Protein change: p.Val1271Ile; replaces valine 1271 with isoleucine.
Molecular consequence: missense variant.
Genome position (GRCh38, 1-based): chr2:47,806,461, G>A. VCF-style: chr2-47806461-G-A. GRCh37 (hg19) VCF-style: chr2-48033600-G-A.
Other names: c.3421G>A, p.Val1141Ile (NM_001281492.2); c.2905G>A, p.Val969Ile (NM_001281493.2, NM_001281494.2); short protein forms V1271I, V969I, V1141I.
Identifiers: ClinVar variation 410391 (VCV000410391.10), dbSNP rs770929545, ClinGen allele CA16610950.

ClinVar aggregate classification (germline): Uncertain significance (1 of 4 stars; one submission).

Conditions:
Hereditary nonpolyposis colorectal neoplasms. Identifiers: MedGen C0009405, MeSH D003123.

gnomAD v4.1: 1 of 1,613,992 alleles (0.000062%); highest among the groups gnomAD compares: Non-Finnish European, 0.000085%; no homozygotes.

Submission:

Labcorp Genetics (formerly Invitae), Labcorp
Classification: Uncertain significance for Hereditary nonpolyposis colorectal neoplasms. Last evaluated: 2024-04-09. Review status: criteria provided, single submitter. Criteria: Invitae Variant Classification Sherloc (09022015). Collection method: clinical testing. Allele origin: germline.
Comment: This sequence change replaces valine, which is neutral and non-polar, with isoleucine, which is neutral and non-polar, at codon 1271 of the MSH6 protein (p.Val1271Ile). This variant is not present in population databases (gnomAD no frequency). This variant has not been reported in the literature in individuals affected with MSH6-related conditions. ClinVar contains an entry for this variant (Variation ID: 410391). Advanced modeling of protein sequence and biophysical properties (such as structural, functional, and spatial information, amino acid conservation, physicochemical variation, residue mobility, and thermodynamic stability) performed at Invitae indicates that this missense variant is not expected to disrupt MSH6 protein function with a negative predictive value of 95%. In summary, the available evidence is currently insufficient to determine the role of this variant in disease. Therefore, it has been classified as a Variant of Uncertain Significance.